The following is an entry in ClinVar:

ClinVar aggregate classification (germline): Conflicting classifications of pathogenicity. Review status: criteria provided, conflicting classifications (1 of 4 stars). 3 submissions from 3 submitters: Uncertain significance (2); Benign (1). Last evaluated 2025-01-15.

Conditions:
Tuberous sclerosis 2 (TSC2). Identifiers: Orphanet 805, MedGen C1860707, MONDO:0013199, OMIM 613254.
Hereditary cancer-predisposing syndrome. Also called: Hereditary Cancer Syndrome; Tumor predisposition; Neoplastic Syndromes, Hereditary; Hereditary neoplastic syndrome. Identifiers: Orphanet 140162, MedGen C0027672, MeSH D009386, MONDO:0015356.

Allele frequency attached by ClinVar (database versions not stated): gnomAD exomes below 0.00001 and 0.00001.
gnomAD v4.1: 2 of 1,607,348 alleles (0.00012%); highest among the groups gnomAD compares: Admixed American, 0.0034%; no homozygotes.

Submissions (3):

Ambry Genetics
Classification: Uncertain significance for Hereditary cancer-predisposing syndrome. Last evaluated: 2025-01-15. Review status: criteria provided, single submitter. Criteria: Ambry Variant Classification Scheme 2023. Collection method: clinical testing. Allele origin: germline.
Comment: The p.L1347P variant (also known as c.4040T>C), located in coding exon 33 of the TSC2 gene, results from a T to C substitution at nucleotide position 4040. The leucine at codon 1347 is replaced by proline, an amino acid with similar properties. This amino acid position is poorly conserved in available vertebrate species. In addition, the in silico prediction for this alteration is inconclusive. Based on the available evidence, the clinical significance of this variant remains unclear.

CeGaT Center for Human Genetics Tuebingen
Classification: Uncertain significance. Last evaluated: 2024-10-01. Review status: criteria provided, single submitter. Criteria: CeGaT Center For Human Genetics Tuebingen Variant Classification Criteria Version 2. Collection method: clinical testing. Allele origin: germline. Affected: yes. Observed: 1 variant allele.
Comment: TSC2: PM2, BP4

Labcorp Genetics (formerly Invitae), Labcorp
Classification: Benign for Tuberous sclerosis 2. Last evaluated: 2024-06-12. Review status: criteria provided, single submitter. Criteria: Invitae Variant Classification Sherloc (09022015). Collection method: clinical testing. Allele origin: germline.

NM_000548.5(TSC2):c.4040T>C (p.Leu1347Pro)

Gene: TSC2 (TSC complex subunit 2; plus strand). Cytogenetic location: 16p13.3.
Variant type: single nucleotide variant.
Coding change: c.4040T>C on transcript NM_000548.5 (MANE Select); coding-DNA position 4040, T replaced by C.
Protein change: p.Leu1347Pro; replaces leucine 1347 with proline.
Molecular consequence: missense variant.
Genome position (GRCh38, 1-based): chr16:2,084,262, T>C. VCF-style: chr16-2084262-T-C. GRCh37 (hg19) VCF-style: chr16-2134263-T-C.
Other names: c.3839T>C, p.Leu1280Pro (NM_001077183.3); c.3971T>C, p.Leu1324Pro (NM_001114382.3); c.3731T>C, p.Leu1244Pro (NM_001318827.2); c.3695T>C, p.Leu1232Pro (NM_001318829.2); c.3308T>C, p.Leu1103Pro (NM_001318831.2); c.3872T>C, p.Leu1291Pro (NM_001318832.2); c.3842T>C, p.Leu1281Pro (NM_001363528.2); c.3908T>C, p.Leu1303Pro (NM_001370404.1); and 1 more; short protein forms L1347P, L1103P, L1280P, L1281P, L1291P, L1232P, L1303P, L1244P.
Identifiers: ClinVar variation 535968 (VCV000535968.24), dbSNP rs1221929408, ClinGen allele CA394299288.